The following is an entry in ClinVar:

NM_014008.5(CCDC22):c.1873C>T (p.Arg625Trp)

Gene: CCDC22 (CCC complex scaffolding subunit CCDC22; plus strand). Cytogenetic location: Xp11.23.
Variant type: single nucleotide variant.
Coding change: c.1873C>T on transcript NM_014008.5 (MANE Select); coding-DNA position 1873, C replaced by T.
Protein change: p.Arg625Trp; replaces arginine 625 with tryptophan.
Molecular consequence: missense variant.
Genome position (GRCh38, 1-based): chrX:49,250,250, C>T. VCF-style: chrX-49250250-C-T. GRCh37 (hg19) VCF-style: chrX-49106711-C-T.
Other names: short protein forms R625W.
Identifiers: ClinVar variation 1306352 (VCV001306352.4), dbSNP rs2066019694, ClinGen allele CA412946754.

ClinVar aggregate classification (germline): Uncertain significance. Review status: criteria provided, multiple submitters, no conflicts (2 of 4 stars). 3 submissions from 3 submitters: Uncertain significance (3). Last evaluated 2022-06-23.

Conditions:
Ritscher-Schinzel syndrome 2. Identifiers: Orphanet 7, MedGen C4225419, MONDO:0010499, OMIM 300963.

Allele frequency attached by ClinVar (database versions not stated): TOPMed below 0.00001; gnomAD exomes 0.00001.

Submissions (3):

Blueprint Genetics
Classification: Uncertain significance. Last evaluated: 2022-06-23. Review status: criteria provided, single submitter. Criteria: ACMG Guidelines, 2015. Collection method: clinical testing. Allele origin: germline.

Fulgent Genetics
Classification: Uncertain significance for Ritscher-Schinzel syndrome 2. Last evaluated: 2022-01-18. Review status: criteria provided, single submitter. Criteria: ACMG Guidelines, 2015. Collection method: clinical testing. Allele origin: unknown.

GeneDx
Classification: Uncertain significance. Last evaluated: 2019-06-12. Review status: criteria provided, single submitter. Criteria: GeneDx Variant Classification Process June 2021. Collection method: clinical testing. Allele origin: germline. Affected: yes.
Comment: Not observed in large population cohorts (Lek et al., 2016); In silico analysis, which includes protein predictors and evolutionary conservation, supports a deleterious effect; Has not been previously published as pathogenic or benign to our knowledge